The following is an entry in ClinVar:

NM_006531.5(IFT88):c.264+9A>G

Gene: IFT88 (intraflagellar transport 88; plus strand). Cytogenetic location: 13q12.11.
Variant type: single nucleotide variant.
Coding change: c.264+9A>G on transcript NM_006531.5 (MANE Select); 9 bases into the intron after coding-DNA position 264, A replaced by G.
Molecular consequence: intron variant.
Genome position (GRCh38, 1-based): chr13:20,591,029, A>G. VCF-style: chr13-20591029-A-G. GRCh37 (hg19) VCF-style: chr13-21165168-A-G.
Other names: c.291+9A>G (NM_001318493.2, NM_175605.5, NM_001353570.2 and 7 more transcripts); c.264+9A>G (NM_001353568.2, NM_001353572.2, NM_001353571.2 and 1 more transcripts); c.-300+9A>G (NM_001353579.2); c.207+9A>G (NM_001353575.2, NM_001318491.2, NM_001353573.2 and 1 more transcripts).
Identifiers: ClinVar variation 1630764 (VCV001630764.11), dbSNP rs147702145, ClinGen allele CA6905008.

ClinVar aggregate classification (germline): Likely benign. Review status: criteria provided, single submitter (1 of 4 stars). 2 submissions from 2 submitters: Likely benign (1). 1 of the submissions does not count toward it. Last evaluated 2025-08-15.

Conditions:
IFT88-related disorder. Also called: IFT88-related condition.

Allele frequency attached by ClinVar (database versions not stated): gnomAD exomes 0.00004 and 0.00013; gnomAD 0.00008 and 0.00009; TOPMed 0.00010; ExAC 0.00013; 1000 Genomes Project 30x 0.00031; 1000 Genomes Project 0.00040.
gnomAD v4.1: 77 of 1,594,604 alleles (0.0048%); highest among the groups gnomAD compares: East Asian, 0.092%; no homozygotes.

Submissions (2):

Labcorp Genetics (formerly Invitae), Labcorp
Classification: Likely benign. Last evaluated: 2025-08-15. Review status: criteria provided, single submitter. Criteria: Invitae Variant Classification Sherloc (09022015). Collection method: clinical testing. Allele origin: germline.

PreventionGenetics, part of Exact Sciences
Classification: Likely benign for IFT88-related condition. Last evaluated: 2020-07-30. Review status: no assertion criteria provided. Collection method: clinical testing. Allele origin: germline. Not counted in ClinVar's aggregate classification.
Comment: This variant is classified as likely benign based on ACMG/AMP sequence variant interpretation guidelines (Richards et al. 2015 PMID: 25741868, with internal and published modifications).